The following is an entry in ClinVar:

NM_203446.3(SYNJ1):c.3703A>G (p.Thr1235Ala)

Gene: SYNJ1 (synaptojanin 1; minus strand). Cytogenetic location: 21q22.11.
Variant type: single nucleotide variant.
Coding change: c.3703A>G on transcript NM_203446.3 (MANE Select); coding-DNA position 3703, A replaced by G.
Protein change: p.Thr1235Ala; replaces threonine 1235 with alanine.
Molecular consequence: missense variant.
Genome position (GRCh38, 1-based): chr21:32,639,120, T>C on the plus strand (A>G on the coding strand, the complement: SYNJ1 is on the minus strand). VCF-style: chr21-32639120-T-C. GRCh37 (hg19) VCF-style: chr21-34011430-T-C.
Other names: c.3655A>G, p.Thr1219Ala (NM_001160302.2); c.3562A>G, p.Thr1188Ala (NM_001160306.2); c.3820A>G, p.Thr1274Ala (NM_003895.4); short protein forms T1188A, T1235A, T1274A, T1219A.
Identifiers: ClinVar variation 1352122 (VCV001352122.8), dbSNP rs781066636, ClinGen allele CA10003272.

ClinVar aggregate classification (germline): Uncertain significance (1 of 4 stars; one submission).

Conditions:
Early-onset Parkinson disease 20. Also called: PARKINSON DISEASE 20, AUTOSOMAL RECESSIVE EARLY-ONSET. Identifiers: Orphanet 391411, MedGen C3809824, MONDO:0014233, OMIM 615530.
Developmental and epileptic encephalopathy, 53. Also called: Epileptic encephalopathy, early infantile, 53. Identifiers: MedGen C4479313, MONDO:0033362, OMIM 617389.

Allele frequency attached by ClinVar (database versions not stated): gnomAD 0.00001; TOPMed 0.00001.
gnomAD v4.1: 21 of 1,610,004 alleles (0.0013%); highest among the groups gnomAD compares: South Asian, 0.0099%; no homozygotes.

Submission:

Labcorp Genetics (formerly Invitae), Labcorp
Classification: Uncertain significance for Developmental and epileptic encephalopathy, 53; Early-onset Parkinson disease 20. Last evaluated: 2021-03-08. Review status: criteria provided, single submitter. Criteria: Invitae Variant Classification Sherloc (09022015). Collection method: clinical testing. Allele origin: germline.
Comment: This variant is present in population databases (rs781066636, ExAC 0.03%). This sequence change replaces threonine with alanine at codon 1274 of the SYNJ1 protein (p.Thr1274Ala). The threonine residue is weakly conserved and there is a small physicochemical difference between threonine and alanine. This variant has not been reported in the literature in individuals with SYNJ1-related conditions. Algorithms developed to predict the effect of missense changes on protein structure and function output the following: SIFT: "Tolerated"; PolyPhen-2: "Benign"; Align-GVGD: "Class C0". The alanine amino acid residue is found in multiple mammalian species, suggesting that this missense change does not adversely affect protein function. These predictions have not been confirmed by published functional studies and their clinical significance is uncertain. In summary, the available evidence is currently insufficient to determine the role of this variant in disease. Therefore, it has been classified as a Variant of Uncertain Significance.